The following is an entry in ClinVar:

NM_001042492.3(NF1):c.1802G>C (p.Arg601Pro)

Gene: NF1 (neurofibromin 1; plus strand). Cytogenetic location: 17q11.2.
Variant type: single nucleotide variant.
Coding change: c.1802G>C on transcript NM_001042492.3 (MANE Select); coding-DNA position 1802, G replaced by C.
Protein change: p.Arg601Pro; replaces arginine 601 with proline.
Molecular consequence: missense variant.
Genome position (GRCh38, 1-based): chr17:31,223,524, G>C. VCF-style: chr17-31223524-G-C. GRCh37 (hg19) VCF-style: chr17-29550542-G-C.
Other names: c.1802G>C, p.Arg601Pro (NM_000267.4); short protein forms R601P.
Identifiers: ClinVar variation 3634502 (VCV003634502.3).

ClinVar aggregate classification (germline): Uncertain significance. Review status: criteria provided, multiple submitters, no conflicts (2 of 4 stars). 2 submissions from 2 submitters: Uncertain significance (2). Last evaluated 2025-05-22.

Conditions:
Neurofibromatosis, type 1 (NF1). Also called: VON RECKLINGHAUSEN DISEASE; Peripheral type neurofibromatosis; NEUROFIBROMATOSIS, TYPE I, SOMATIC; Neurofibromatosis, type I. Identifiers: Orphanet 636, MedGen C0027831, MONDO:0018975, OMIM 162200. Disease mechanism: loss of function.
Cardiovascular phenotype. Identifiers: MedGen CN230736.
Hereditary cancer-predisposing syndrome. Also called: Hereditary Cancer Syndrome; Hereditary neoplastic syndrome; Neoplastic Syndromes, Hereditary; Tumor predisposition. Identifiers: Orphanet 140162, MedGen C0027672, MeSH D009386, MONDO:0015356.

Submissions (2):

Ambry Genetics
Classification: Uncertain significance for Cardiovascular phenotype; Hereditary cancer-predisposing syndrome. Last evaluated: 2025-05-22. Review status: criteria provided, single submitter. Criteria: Ambry Variant Classification Scheme 2023. Collection method: clinical testing. Allele origin: germline.
Comment: The p.R601P variant (also known as c.1802G>C), located in coding exon 16 of the NF1 gene, results from a G to C substitution at nucleotide position 1802. The arginine at codon 601 is replaced by proline, an amino acid with dissimilar properties. This amino acid position is conserved. In addition, this alteration is predicted to be deleterious by in silico analysis. Based on the available evidence, the clinical significance of this variant remains unclear.

Labcorp Genetics (formerly Invitae), Labcorp
Classification: Uncertain significance for Neurofibromatosis, type 1. Last evaluated: 2024-03-15. Review status: criteria provided, single submitter. Criteria: Invitae Variant Classification Sherloc (09022015). Collection method: clinical testing. Allele origin: germline.
Comment: This sequence change replaces arginine, which is basic and polar, with proline, which is neutral and non-polar, at codon 601 of the NF1 protein (p.Arg601Pro). This variant is not present in population databases (gnomAD no frequency). This variant has not been reported in the literature in individuals affected with NF1-related conditions. Advanced modeling of protein sequence and biophysical properties (such as structural, functional, and spatial information, amino acid conservation, physicochemical variation, residue mobility, and thermodynamic stability) performed at Invitae indicates that this missense variant is expected to disrupt NF1 protein function with a positive predictive value of 95%. In summary, the available evidence is currently insufficient to determine the role of this variant in disease. Therefore, it has been classified as a Variant of Uncertain Significance.